The following is an entry in ClinVar:

NM_005359.6(SMAD4):c.955+5G>T

Gene: SMAD4 (SMAD family member 4; plus strand). Cytogenetic location: 18q21.2.
Variant type: single nucleotide variant.
Coding change: c.955+5G>T on transcript NM_005359.6 (MANE Select); 5 bases into the intron after coding-DNA position 955, G replaced by T.
Molecular consequence: intron variant.
Genome position (GRCh38, 1-based): chr18:51,059,921, G>T. VCF-style: chr18-51059921-G-T. GRCh37 (hg19) VCF-style: chr18-48586291-G-T.
Other names: c.955+5G>T (NM_001407042.1, NM_001407041.1, NM_001407043.1).
Identifiers: ClinVar variation 3238437 (VCV003238437.1), dbSNP rs1909960931.

ClinVar aggregate classification (germline): Uncertain significance (1 of 4 stars; one submission).

Conditions:
Hereditary cancer-predisposing syndrome. Also called: Neoplastic Syndromes, Hereditary; Tumor predisposition; Hereditary neoplastic syndrome; Hereditary Cancer Syndrome. Identifiers: Orphanet 140162, MedGen C0027672, MeSH D009386, MONDO:0015356.
Familial thoracic aortic aneurysm and aortic dissection (TAAD). Also called: Thoracic aortic aneurysms and dissections. Identifiers: Orphanet 91387, MedGen C4707243, MONDO:0019625.

Submission:

Ambry Genetics
Classification: Uncertain significance for Hereditary cancer-predisposing syndrome; Familial thoracic aortic aneurysm and aortic dissection. Last evaluated: 2023-07-12. Review status: criteria provided, single submitter. Criteria: Ambry Variant Classification Scheme 2023. Collection method: clinical testing. Allele origin: germline.
Comment: The c.955+5G>T intronic variant results from a G to T substitution 5 nucleotides after coding exon 7 in the SMAD4 gene. This nucleotide position is highly conserved in available vertebrate species. In silico splice site analysis predicts that this alteration will not have any significant effect on splicing. Since supporting evidence is limited at this time, the clinical significance of this alteration remains unclear.